The following is an entry in ClinVar:

NM_001267550.2(TTN):c.106727T>G (p.Val35576Gly)

Genes: TTN (titin; minus strand), TTN-AS1 (TTN antisense RNA 1; plus strand). Cytogenetic location: 2q31.2.
Variant type: single nucleotide variant.
Coding change: c.106727T>G on transcript NM_001267550.2 (MANE Select); coding-DNA position 106727, T replaced by G.
Protein change: p.Val35576Gly; replaces valine 35576 with glycine.
Molecular consequence: missense variant.
Genome position (GRCh38, 1-based): chr2:178,529,024, A>C on the plus strand (T>G on the coding strand, the complement: TTN is on the minus strand). VCF-style: chr2-178529024-A-C. GRCh37 (hg19) VCF-style: chr2-179393751-A-C.
Other names: c.101804T>G, p.Val33935Gly (NM_001256850.1); c.79532T>G, p.Val26511Gly (NM_003319.4); c.99023T>G, p.Val33008Gly (NM_133378.4); c.79907T>G, p.Val26636Gly (NM_133432.3); c.80108T>G, p.Val26703Gly (NM_133437.4); short protein forms V35576G, V33935G, V33008G, V26703G, V26511G, V26636G.
Identifiers: ClinVar variation 565535 (VCV000565535.9), dbSNP rs144188176, ClinGen allele CA349403374.

ClinVar aggregate classification (germline): Uncertain significance (1 of 4 stars; one submission).

Conditions:
Dilated cardiomyopathy 1G (CMD1G). Identifiers: Orphanet 154, MedGen C1858763, MONDO:0011400, OMIM 604145.
Autosomal recessive limb-girdle muscular dystrophy type 2J (LGMDR10). Also called: Limb-girdle muscular dystrophy, type 2J; MUSCULAR DYSTROPHY, LIMB-GIRDLE, AUTOSOMAL RECESSIVE 10. Identifiers: Orphanet 140922, MedGen C1837342, MONDO:0012127, OMIM 608807.

Submission:

Labcorp Genetics (formerly Invitae), Labcorp
Classification: Uncertain significance for Dilated cardiomyopathy 1G; Autosomal recessive limb-girdle muscular dystrophy type 2J. Last evaluated: 2022-07-19. Review status: criteria provided, single submitter. Criteria: Invitae Variant Classification Sherloc (09022015). Collection method: clinical testing. Allele origin: germline.
Comment: This variant has not been reported in the literature in individuals affected with TTN-related conditions. In summary, the available evidence is currently insufficient to determine the role of this variant in disease. Therefore, it has been classified as a Variant of Uncertain Significance. This variant is located in the M band of TTN (PMID: 25589632). Variants in this region may be relevant for neuromuscular disorders, but have not been definitively shown to cause cardiomyopathy (PMID: 23975875). Experimental studies and prediction algorithms are not available or were not evaluated, and the functional significance of this variant is currently unknown. ClinVar contains an entry for this variant (Variation ID: 565535). This variant is not present in population databases (gnomAD no frequency). This sequence change replaces valine, which is neutral and non-polar, with glycine, which is neutral and non-polar, at codon 35576 of the TTN protein (p.Val35576Gly).

Literature cited by the submitters: PubMed 25589632; PubMed 23975875.